The following is an entry in ClinVar:

ClinVar aggregate classification (germline): Pathogenic/Likely pathogenic. Review status: criteria provided, multiple submitters, no conflicts (2 of 4 stars). 2 submissions from 2 submitters: Pathogenic (1); Likely pathogenic (1). Last evaluated 2024-11-01.

Conditions:
Cardiovascular phenotype. Identifiers: MedGen CN230736.
Hereditary cancer-predisposing syndrome. Also called: Hereditary Cancer Syndrome; Tumor predisposition; Neoplastic Syndromes, Hereditary; Hereditary neoplastic syndrome. Identifiers: Orphanet 140162, MedGen C0027672, MeSH D009386, MONDO:0015356.
Neurofibromatosis, type 1 (NF1). Also called: VON RECKLINGHAUSEN DISEASE; Neurofibromatosis, type I; NEUROFIBROMATOSIS, TYPE I, SOMATIC; Peripheral type neurofibromatosis. Identifiers: Orphanet 636, MedGen C0027831, MONDO:0018975, OMIM 162200. Disease mechanism: loss of function.

Submissions (2):

Ambry Genetics
Classification: Likely pathogenic for Cardiovascular phenotype; Hereditary cancer-predisposing syndrome. Last evaluated: 2024-11-01. Review status: criteria provided, single submitter. Criteria: Ambry Variant Classification Scheme 2023. Collection method: clinical testing. Allele origin: germline.
Comment: The p.S82P variant (also known as c.244T>C), located in coding exon 3 of the NF1 gene, results from a T to C substitution at nucleotide position 244. The serine at codon 82 is replaced by proline, an amino acid with similar properties. This variant was reported in multiple individuals with features consistent with neurofibromatosis type 1 (Cassiman C et al. Clin Genet. 2017 Apr;91:529-535; Ambry internal data). Based on internal structural analysis, this variant is more disruptive to the NF1 N-terminal domain than nearby internally pathogenic variants (Ambry internal data). This variant is considered to be rare based on population cohorts in the Genome Aggregation Database (gnomAD). This amino acid position is highly conserved in available vertebrate species. In addition, the in silico prediction for this alteration is inconclusive. Based on the majority of available evidence to date, this variant is likely to be pathogenic.

Labcorp Genetics (formerly Invitae), Labcorp
Classification: Pathogenic for Neurofibromatosis, type 1. Last evaluated: 2024-01-21. Review status: criteria provided, single submitter. Criteria: Invitae Variant Classification Sherloc (09022015). Collection method: clinical testing. Allele origin: germline.
Comment: This sequence change replaces serine, which is neutral and polar, with proline, which is neutral and non-polar, at codon 82 of the NF1 protein (p.Ser82Pro). This variant is not present in population databases (gnomAD no frequency). This missense change has been observed in individuals with neurofibromatosis type 1 (PMID: 27716896). ClinVar contains an entry for this variant (Variation ID: 652365). Advanced modeling of protein sequence and biophysical properties (such as structural, functional, and spatial information, amino acid conservation, physicochemical variation, residue mobility, and thermodynamic stability) performed at Invitae indicates that this missense variant is expected to disrupt NF1 protein function with a positive predictive value of 95%. This variant disrupts the p.Ser82 amino acid residue in NF1. Other variant(s) that disrupt this residue have been determined to be pathogenic (PMID: 11857752, 16944272). This suggests that this residue is clinically significant, and that variants that disrupt this residue are likely to be disease-causing. For these reasons, this variant has been classified as Pathogenic.

Literature cited by the submitters: PubMed 27716896 (cited by Ambry Genetics and Labcorp Genetics (formerly Invitae), Labcorp); PubMed 11857752 (cited by Labcorp Genetics (formerly Invitae), Labcorp); PubMed 16944272 (cited by Labcorp Genetics (formerly Invitae), Labcorp).

NM_001042492.3(NF1):c.244T>C (p.Ser82Pro)

Gene: NF1 (neurofibromin 1; plus strand). Cytogenetic location: 17q11.2.
Variant type: single nucleotide variant.
Coding change: c.244T>C on transcript NM_001042492.3 (MANE Select); coding-DNA position 244, T replaced by C.
Protein change: p.Ser82Pro; replaces serine 82 with proline.
Molecular consequence: missense variant.
Genome position (GRCh38, 1-based): chr17:31,159,049, T>C. VCF-style: chr17-31159049-T-C. GRCh37 (hg19) VCF-style: chr17-29486067-T-C.
Other names: c.244T>C, p.Ser82Pro (NM_000267.4, NM_001128147.3); short protein forms S82P.
Identifiers: ClinVar variation 652365 (VCV000652365.6), dbSNP rs1597629813, ClinGen allele CA398989636.